The following is an entry in ClinVar:

Conditions:
Breast-ovarian cancer, familial, susceptibility to, 1 (BROVCA1). Also called: BRCA1 Hereditary Breast and Ovarian Cancer; OVARIAN CANCER, SUSCEPTIBILITY TO. Identifiers: Orphanet 145, MedGen C2676676, MONDO:0011450, OMIM 604370. Disease mechanism: loss of function.

Submission:

Brotman Baty Institute, University of Washington
No classification provided (evidence only). Condition: Breast-ovarian cancer, familial 1. Review status: no classification provided. Collection method: in vitro. Allele origin: not applicable. Functional consequence: functionally_normal.
ClinVar note: "not provided" was previously submitted as the classification for the variant. However, the classification appeared to be based only on an observation of functional data so it was converted to no classification on 2025-07-30.

NM_007294.4(BRCA1):c.5283C>G (p.Phe1761Leu)

Gene: BRCA1 (BRCA1 DNA repair associated; minus strand). Cytogenetic location: 17q21.31.
Variant type: single nucleotide variant.
Coding change: c.5283C>G on transcript NM_007294.4 (MANE Select); coding-DNA position 5283, C replaced by G.
Protein change: p.Phe1761Leu; replaces phenylalanine 1761 with leucine.
Molecular consequence: missense variant. On other transcripts: non-coding transcript variant (1).
Genome position (GRCh38, 1-based): chr17:43,051,112, G>C on the plus strand (C>G on the coding strand, the complement: BRCA1 is on the minus strand). VCF-style: chr17-43051112-G-C. GRCh37 (hg19) VCF-style: chr17-41203129-G-C.
Other names: c.5070C>G, p.Phe1690Leu (NM_001407571.1, NM_001407898.1, NM_001407899.1 and 12 more transcripts); c.5349C>G, p.Phe1783Leu (NM_001407581.1, NM_001407582.1); c.5346C>G, p.Phe1782Leu (NM_001407583.1, NM_001407585.1, NM_001407587.1 and 1 more transcripts); c.5343C>G, p.Phe1781Leu (NM_001407590.1, NM_001407591.1); c.5283C>G, p.Phe1761Leu (NM_001407593.1, NM_001407594.1, NM_001407596.1 and 6 more transcripts); c.5280C>G, p.Phe1760Leu (NM_001407610.1, NM_001407611.1, NM_001407612.1 and 17 more transcripts); c.5277C>G, p.Phe1759Leu (NM_001407627.1, NM_001407628.1, NM_001407629.1 and 14 more transcripts); c.5271C>G, p.Phe1757Leu (NM_001407646.1); and 72 more; short protein forms F1782L, F1714L, F1761L, F657L, F1464L, F1634L, F1650L, F1671L.
Identifiers: ClinVar variation 867344 (VCV000867344.3), dbSNP rs2051212831, ClinGen allele CA10590978.
Genomic context (GRCh38, chr17:43,051,112, plus strand): 5'-CAGGCTCTTACCTGTGGGCATGTTGGTGAAGGGCCCATAGCAACAGATTTCTAGCCCCCT[G>C]AAGATCTGGAAGAAGAGAGGAAGAGAGAGGGACAGGGGAATGGAGAGAAGGAAAATCTAG-3'
Protein context (NP_009225.1, residues 1751-1771): RARESQDRKI[Phe1761Leu]RGLEICCYGP